The following is an entry in ClinVar:

ClinVar aggregate classification (germline): Pathogenic (1 of 4 stars; one submission).

Submission:

Labcorp Genetics (formerly Invitae), Labcorp
Classification: Pathogenic. Last evaluated: 2022-10-17. Review status: criteria provided, single submitter. Criteria: Invitae Variant Classification Sherloc (09022015). Collection method: clinical testing. Allele origin: germline.
Comment: This variant has not been reported in the literature in individuals affected with CCDC88A-related conditions. For these reasons, this variant has been classified as Pathogenic. This variant is not present in population databases (gnomAD no frequency). This sequence change creates a premature translational stop signal (p.Gln537*) in the CCDC88A gene. It is expected to result in an absent or disrupted protein product. Loss-of-function variants in CCDC88A are known to be pathogenic (PMID: 26917597, 30392057).

Literature cited by the submitters: PubMed 26917597; PubMed 30392057.

NM_001365480.1(CCDC88A):c.1609C>T (p.Gln537Ter)

Gene: CCDC88A (coiled-coil and HOOK domain protein 88A; minus strand). Cytogenetic location: 2p16.1.
Variant type: single nucleotide variant.
Coding change: c.1609C>T on transcript NM_001365480.1 (MANE Select); coding-DNA position 1609, C replaced by T.
Protein change: p.Gln537Ter; replaces glutamine 537 with a stop codon.
Molecular consequence: nonsense.
Genome position (GRCh38, 1-based): chr2:55,336,728, G>A on the plus strand (C>T on the coding strand, the complement: CCDC88A is on the minus strand). VCF-style: chr2-55336728-G-A. GRCh37 (hg19) VCF-style: chr2-55563864-G-A.
Other names: c.1609C>T, p.Gln537Ter (NM_001135597.2, NM_001254943.2, NM_018084.5); short protein forms Q537*.
Identifiers: ClinVar variation 2035839 (VCV002035839.4), dbSNP rs1247617743, ClinGen allele CA346902773.